The following is an entry in ClinVar:

NM_000937.5(POLR2A):c.3386A>G (p.Asn1129Ser)

Gene: POLR2A (RNA polymerase II subunit A; plus strand). Cytogenetic location: 17p13.1.
Variant type: single nucleotide variant.
Coding change: c.3386A>G on transcript NM_000937.5 (MANE Select); coding-DNA position 3386, A replaced by G.
Protein change: p.Asn1129Ser; replaces asparagine 1129 with serine.
Molecular consequence: missense variant.
Genome position (GRCh38, 1-based): chr17:7,508,396, A>G. VCF-style: chr17-7508396-A-G. GRCh37 (hg19) VCF-style: chr17-7411715-A-G.
Other names: short protein forms N1129S.
Identifiers: ClinVar variation 4851391 (VCV004851391.1).

ClinVar aggregate classification (germline): Likely benign (1 of 4 stars; one submission).

Conditions:
Neurodevelopmental disorder with hypotonia and variable intellectual and behavioral abnormalities. Identifiers: MedGen C5231423, MONDO:0032829, OMIM 618603.

Submission:

Centre for Medical Genetics,  Mumbai
Classification: Likely benign for Neurodevelopmental disorder with hypotonia and variable intellectual and behavioral abnormalities. Last evaluated: 2026-04-17. Review status: criteria provided, single submitter. Criteria: ACMG Guidelines, 2015. Collection method: provider interpretation. Allele origin: germline. Inheritance: Autosomal dominant inheritance. Affected: no. Observed: 1 variant allele, 1 heterozygote.
Comment: The variant satisfies PM2 criteria - extremely low frequency in gnomAD population databases. The variant satisfies PM1 criteria - non-truncating non-synonymous variant is located in a mutational hot spot and/or critical and well-established functional domain. The variant satisfies PP2 criteria - missense variant in a gene with low rate of benign missense mutations and for which missense mutation is a common mechanism of a disease. The variant satisfies BP4 criteria - for a missense or a splice region variant, computational prediction tools unanimously support a benign effect on the gene. However, the variant satisfies BS2 criteria - present in heterozygous state in an individual that clinically does not have neurodevelopmental disorder with hypotonia and variable intellectual and behavioral abnormalities.

Literature cited by the submitters: PubMed 31353023.